The following is an entry in ClinVar:

NM_000094.4(COL7A1):c.4058G>T (p.Gly1353Val)

Gene: COL7A1 (collagen type VII alpha 1 chain; minus strand). Cytogenetic location: 3p21.31.
Variant type: single nucleotide variant.
Coding change: c.4058G>T on transcript NM_000094.4 (MANE Select); coding-DNA position 4058, G replaced by T.
Protein change: p.Gly1353Val; replaces glycine 1353 with valine.
Molecular consequence: missense variant.
Genome position (GRCh38, 1-based): chr3:48,584,546, C>A on the plus strand (G>T on the coding strand, the complement: COL7A1 is on the minus strand). VCF-style: chr3-48584546-C-A. GRCh37 (hg19) VCF-style: chr3-48621979-C-A.
Other names: short protein forms G1353V.
Identifiers: ClinVar variation 2061294 (VCV002061294.4), dbSNP rs763909642, ClinGen allele CA2380236.

ClinVar aggregate classification (germline): Uncertain significance. Review status: criteria provided, multiple submitters, no conflicts (2 of 4 stars). 2 submissions from 2 submitters: Uncertain significance (2). Last evaluated 2026-05-13.

Conditions:
Inborn genetic diseases. Identifiers: MedGen C0950123, MeSH D030342.

Allele frequency attached by ClinVar (database versions not stated): TOPMed 0.00004; gnomAD exomes 0.00019; ExAC 0.00006; gnomAD 0.00005.
gnomAD v4.1: 279 of 1,613,992 alleles (0.017%); highest among the groups gnomAD compares: Non-Finnish European, 0.023%; no homozygotes.

Submissions (2):

Ambry Genetics
Classification: Uncertain significance for Inborn genetic diseases. Last evaluated: 2026-05-13. Review status: criteria provided, single submitter. Criteria: Ambry Variant Classification Scheme 2023. Collection method: clinical testing. Allele origin: germline.

Labcorp Genetics (formerly Invitae), Labcorp
Classification: Uncertain significance. Last evaluated: 2025-09-20. Review status: criteria provided, single submitter. Criteria: Invitae Variant Classification Sherloc (09022015). Collection method: clinical testing. Allele origin: germline.
Comment: This sequence change replaces glycine, which is neutral and non-polar, with valine, which is neutral and non-polar, at codon 1353 of the COL7A1 protein (p.Gly1353Val). This variant is present in population databases (rs763909642, gnomAD 0.009%). This variant has not been reported in the literature in individuals affected with COL7A1-related conditions. ClinVar contains an entry for this variant (Variation ID: 2061294). Invitae Evidence Modeling of protein sequence and biophysical properties (such as structural, functional, and spatial information, amino acid conservation, physicochemical variation, residue mobility, and thermodynamic stability) has been performed for this missense variant. However, the output from this modeling did not meet the statistical confidence thresholds required to predict the impact of this variant on COL7A1 protein function. In summary, the available evidence is currently insufficient to determine the role of this variant in disease. Therefore, it has been classified as a Variant of Uncertain Significance.